The following is an entry in ClinVar:

ClinVar aggregate classification (germline): Uncertain significance (1 of 4 stars; one submission).

Conditions:
Inborn genetic diseases. Identifiers: MedGen C0950123, MeSH D030342.

Allele frequency attached by ClinVar (database versions not stated): gnomAD exomes below 0.00001.
gnomAD v4.1: 1 of 1,614,074 alleles (0.000062%); highest among the groups gnomAD compares: Non-Finnish European, 0.000085%; no homozygotes.

Submission:

Ambry Genetics
Classification: Uncertain significance for Inborn genetic diseases. Last evaluated: 2024-02-12. Review status: criteria provided, single submitter. Criteria: Ambry Variant Classification Scheme 2023. Collection method: clinical testing. Allele origin: germline.
Comment: The p.L511V variant (also known as c.1531C>G), located in coding exon 11 of the ACD gene, results from a C to G substitution at nucleotide position 1531. The leucine at codon 511 is replaced by valine, an amino acid with highly similar properties. This amino acid position is conserved. In addition, this alteration is predicted to be tolerated by in silico analysis. Since supporting evidence is limited at this time, the clinical significance of this alteration remains unclear.

NM_001082486.2(ACD):c.1273C>G (p.Leu425Val)

Gene: ACD (ACD shelterin complex subunit and telomerase recruitment factor; minus strand). Cytogenetic location: 16q22.1.
Variant type: single nucleotide variant.
Coding change: c.1273C>G on transcript NM_001082486.2 (MANE Select); coding-DNA position 1273, C replaced by G.
Protein change: p.Leu425Val; replaces leucine 425 with valine.
Molecular consequence: missense variant.
Genome position (GRCh38, 1-based): chr16:67,657,787, G>C on the plus strand (C>G on the coding strand, the complement: ACD is on the minus strand). VCF-style: chr16-67657787-G-C. GRCh37 (hg19) VCF-style: chr16-67691690-G-C.
Other names: c.1186C>G, p.Leu396Val (NM_001410884.1); c.1264C>G, p.Leu422Val (NM_022914.3); short protein forms L396V, L422V, L425V.
Identifiers: ClinVar variation 1774634 (VCV001774634.2), dbSNP rs2543596736, ClinGen allele CA396349861.